The following is an entry in ClinVar:

NM_005921.2(MAP3K1):c.566T>C (p.Leu189Pro)

Gene: MAP3K1 (mitogen-activated protein kinase kinase kinase 1; plus strand). Cytogenetic location: 5q11.2.
Variant type: single nucleotide variant.
Coding change: c.566T>C on transcript NM_005921.2 (MANE Select); coding-DNA position 566, T replaced by C.
Protein change: p.Leu189Pro; replaces leucine 189 with proline.
Molecular consequence: missense variant.
Genome position (GRCh38, 1-based): chr5:56,856,683, T>C. VCF-style: chr5-56856683-T-C. GRCh37 (hg19) VCF-style: chr5-56152510-T-C.
Other names: c.566T>C (NM_005921.1); short protein forms L189P.
Identifiers: ClinVar variation 30146 (VCV000030146.2), dbSNP rs387906788, ClinGen allele CA128975.

ClinVar aggregate classification (germline): Pathogenic. Review status: criteria provided, single submitter (1 of 4 stars). 2 submissions from 2 submitters: Pathogenic (1). 1 of the submissions does not count toward it. Last evaluated 2023-05-30.

Conditions:
MAP3K1-related disorder. Also called: MAP3K1-related condition.
46,XY sex reversal 6. Also called: 46,XY GONADAL DYSGENESIS, PARTIAL OR COMPLETE, MAP3K1-RELATED; 46,XY SEX REVERSAL, PARTIAL OR COMPLETE, MAP3K1-RELATED. Identifiers: MedGen C3151064, MONDO:0013410, OMIM 613762.

Submissions (2):

PreventionGenetics, part of Exact Sciences
Classification: Pathogenic for MAP3K1-related condition. Last evaluated: 2023-05-30. Review status: criteria provided, single submitter. Criteria: ACMG Guidelines, 2015. Collection method: clinical testing. Allele origin: germline.
Comment: The MAP3K1 c.566T>C variant is predicted to result in the amino acid substitution p.Leu189Pro. This variant has been previously reported in an individual with 46,XY complete gonadal dysgenesis (Pearlman et al. 2010. PubMed ID: 21129722). Functional studies support its pathogenicity (Loke and Ostrer. 2012. PubMed ID: 22171599; Upadhyay et al. 2018. PubMed ID: 29095481; Chamberlin et al. 2019. PubMed ID: 30608580). Alternative nucleotide changes affecting the same amino acid (p.Leu189Arg and p.Leu189Gln) have also been reported in unrelated individuals with disorders of sex development (Pearlman et al. 2010. PubMed ID: 21129722; Granados et al. 2017. PubMed ID: 28504475). The c.566T>C (p.Leu189Pro) variant has not been reported in a large population database, indicating this variant is rare. In summary, this variant is interpreted as pathogenic.

OMIM
Classification: Pathogenic for 46,XY SEX REVERSAL 6. Last evaluated: 2010-12-10. Review status: no assertion criteria provided. Collection method: literature only. Allele origin: germline. Not counted in ClinVar's aggregate classification.

Literature cited by the submitters: PubMed 21129722 (cited by OMIM).